The following is an entry in ClinVar:

NM_001365999.1(SZT2):c.2086C>T (p.Arg696Trp)

Gene: SZT2 (SZT2 subunit of KICSTOR complex; plus strand). Cytogenetic location: 1p34.2.
Variant type: single nucleotide variant.
Coding change: c.2086C>T on transcript NM_001365999.1 (MANE Select); coding-DNA position 2086, C replaced by T.
Protein change: p.Arg696Trp; replaces arginine 696 with tryptophan.
Molecular consequence: missense variant.
Genome position (GRCh38, 1-based): chr1:43,423,147, C>T. VCF-style: chr1-43423147-C-T. GRCh37 (hg19) VCF-style: chr1-43888818-C-T.
Other names: c.2086C>T, p.Arg696Trp (NM_015284.4); short protein forms R696W.
Identifiers: ClinVar variation 487580 (VCV000487580.19), dbSNP rs574115531, ClinGen allele CA808611.
Genomic context (GRCh38, chr1:43,423,147, plus strand): 5'-TTTTCCCCTCAGATTGTGTCAGGCTTGAGGGAAGAGATCCTGCGGCTGCGTTTCCCCCAC[C>T]GGGTACAAAGCAAGGAGCCAACGCCCAAGGTGAAACGAAAAGGGCTAGGGGGTGCTGGTG-3'
Protein context (NP_001352928.1, residues 686-706): EEILRLRFPH[Arg696Trp]VQSKEPTPKV

ClinVar aggregate classification (germline): Conflicting classifications of pathogenicity. Review status: criteria provided, conflicting classifications (1 of 4 stars). 3 submissions from 3 submitters: Uncertain significance (1); Likely benign (1). 1 of the submissions does not count toward it. Last evaluated 2026-01-05.

Conditions:
Developmental and epileptic encephalopathy, 18 (DEE18). Also called: Early infantile epileptic encephalopathy 18. Identifiers: Orphanet 369894, MedGen C3809624, MONDO:0014201, OMIM 615476.

Allele frequency attached by ClinVar (database versions not stated): gnomAD 0.00008 and 0.00001; ExAC 0.00052; 1000 Genomes Project 30x 0.00062; gnomAD exomes 0.00036; 1000 Genomes Project 0.00040; TOPMed 0.00003.
gnomAD v4.1: 296 of 1,596,874 alleles (0.019%); highest among the groups gnomAD compares: South Asian, 0.3%; 5 homozygotes.

Submissions (3):

Labcorp Genetics (formerly Invitae), Labcorp
Classification: Likely benign. Last evaluated: 2026-01-05. Review status: criteria provided, single submitter. Criteria: Invitae Variant Classification Sherloc (09022015). Collection method: clinical testing. Allele origin: germline.

GeneDx
Classification: Uncertain significance. Last evaluated: 2025-12-02. Review status: criteria provided, single submitter. Criteria: GeneDx Variant Classification Process June 2021. Collection method: clinical testing. Allele origin: germline. Affected: yes.
Comment: In silico analysis supports that this missense variant has a deleterious effect on protein structure/function; Has not been previously published as pathogenic or benign to our knowledge

Foundation for Research in Genetics and Endocrinology, FRIGE's Institute of Human Genetics
Classification: Uncertain significance for Developmental and epileptic encephalopathy, 18. Last evaluated: 2017-12-25. Review status: no assertion criteria provided. Collection method: clinical testing. Allele origin: germline. Inheritance: Autosomal recessive inheritance. Affected: yes. Observed: 1 variant allele, 1 heterozygote. Not counted in ClinVar's aggregate classification.
Comment: The observed variant c.2086C>T (p.R696W) has a minor allele frequency of 0.04% in 1000 Genome database and 0.05% in ExAC database. The in silico prediction of the mutation is damaging by MutationTaster2, SIFT, and probably damaging by PolyPhen2.